The following is an entry in ClinVar:

NM_001127511.3(APC):c.-214T>C

Genes: APC (APC regulator of Wnt signaling pathway; plus strand), LOC129994371 (ATAC-STARR-seq lymphoblastoid active region 22910; plus strand). Cytogenetic location: 5q22.2.
Variant type: single nucleotide variant.
Coding change: c.-214T>C on transcript NM_001127511.3; 214 bases upstream of the start codon, T replaced by C.
Molecular consequence: 5 prime UTR variant. On other transcripts: non-coding transcript variant (2).
Genome position (GRCh38, 1-based): chr5:112,707,504, T>C. VCF-style: chr5-112707504-T-C. GRCh37 (hg19) VCF-style: chr5-112043201-T-C.
Other names: c.-397T>C (NM_001354895.2, NM_001407447.1, NM_001407452.1 and 3 more transcripts); c.-214T>C (NM_001354897.2, NM_001354902.2, NM_001407446.1); c.-164T>C (NM_001407448.1, NM_001407450.1, NM_001407457.1 and 1 more transcripts); c.-188T>C (NM_001407453.1); c.-1432T>C (NM_001407470.1, NM_001407472.1).
Identifiers: ClinVar variation 663026 (VCV000663026.7), dbSNP rs1580995847, ClinGen allele CA915943575.

ClinVar aggregate classification (germline): Uncertain significance (1 of 4 stars; one submission).

Conditions:
Familial adenomatous polyposis 1 (FAP1). Also called: FAMILIAL ADENOMATOUS POLYPOSIS 1, ATTENUATED; POLYPOSIS, ADENOMATOUS INTESTINAL. Identifiers: MedGen C2713442, MONDO:0021056, OMIM 175100. Disease mechanism: loss of function.

Submission:

Labcorp Genetics (formerly Invitae), Labcorp
Classification: Uncertain significance for Familial adenomatous polyposis 1. Last evaluated: 2025-04-14. Review status: criteria provided, single submitter. Criteria: Invitae Variant Classification Sherloc (09022015). Collection method: clinical testing. Allele origin: germline.
Comment: This variant occurs in a non-coding region of the APC gene. It does not change the encoded amino acid sequence of the APC protein. This variant is not present in population databases (gnomAD no frequency). This variant has not been reported in the literature in individuals affected with APC-related conditions. ClinVar contains an entry for this variant (Variation ID: 663026). Experimental studies and prediction algorithms are not available or were not evaluated, and the functional significance of this variant is currently unknown. In summary, the available evidence is currently insufficient to determine the role of this variant in disease. Therefore, it has been classified as a Variant of Uncertain Significance.